The following is an entry in ClinVar:

NM_001378454.1(ALMS1):c.1127C>G (p.Thr376Ser)

Gene: ALMS1 (ALMS1 centrosome and basal body associated protein; plus strand). Cytogenetic location: 2p13.1.
Variant type: single nucleotide variant.
Coding change: c.1127C>G on transcript NM_001378454.1 (MANE Select); coding-DNA position 1127, C replaced by G.
Protein change: p.Thr376Ser; replaces threonine 376 with serine.
Molecular consequence: missense variant.
Genome position (GRCh38, 1-based): chr2:73,424,792, C>G. VCF-style: chr2-73424792-C-G. GRCh37 (hg19) VCF-style: chr2-73651920-C-G.
Other names: c.1130C>G, p.Thr377Ser (NM_015120.4); short protein forms T377S, T376S.
Identifiers: ClinVar variation 1386428 (VCV001386428.8), dbSNP rs762682178, ClinGen allele CA1713054.

ClinVar aggregate classification (germline): Uncertain significance. Review status: criteria provided, multiple submitters, no conflicts (2 of 4 stars). 3 submissions from 3 submitters: Uncertain significance (3). Last evaluated 2024-12-28.

Conditions:
Alstrom syndrome (ALMS). Identifiers: Orphanet 64, MedGen C0268425, MONDO:0008763, OMIM 203800.

Allele frequency attached by ClinVar (database versions not stated): ExAC 0.00001; gnomAD 0.00001; gnomAD exomes 0.00001; TOPMed 0.00002.
gnomAD v4.1: 5 of 1,612,690 alleles (0.00031%); highest among the groups gnomAD compares: Admixed American, 0.0033%; no homozygotes.

Submissions (3):

GeneDx
Classification: Uncertain significance. Last evaluated: 2024-12-28. Review status: criteria provided, single submitter. Criteria: GeneDx Variant Classification Process June 2021. Collection method: clinical testing. Allele origin: germline. Affected: yes.
Comment: Not observed at significant frequency in large population cohorts (gnomAD); In silico analysis indicates that this missense variant does not alter protein structure/function; Has not been previously published as pathogenic or benign to our knowledge

Labcorp Genetics (formerly Invitae), Labcorp
Classification: Uncertain significance for Alstrom syndrome. Last evaluated: 2022-03-08. Review status: criteria provided, single submitter. Criteria: Invitae Variant Classification Sherloc (09022015). Collection method: clinical testing. Allele origin: germline.
Comment: This sequence change replaces threonine, which is neutral and polar, with serine, which is neutral and polar, at codon 377 of the ALMS1 protein (p.Thr377Ser). This variant is present in population databases (rs762682178, gnomAD 0.003%). This variant has not been reported in the literature in individuals affected with ALMS1-related conditions. Algorithms developed to predict the effect of missense changes on protein structure and function output the following: SIFT: "Not Available"; PolyPhen-2: "Not Available"; Align-GVGD: "Not Available". The serine amino acid residue is found in multiple mammalian species, which suggests that this missense change does not adversely affect protein function. In summary, the available evidence is currently insufficient to determine the role of this variant in disease. Therefore, it has been classified as a Variant of Uncertain Significance.

Fulgent Genetics
Classification: Uncertain significance for Alstrom syndrome. Last evaluated: 2021-08-11. Review status: criteria provided, single submitter. Criteria: ACMG Guidelines, 2015. Collection method: clinical testing. Allele origin: unknown.